The following is an entry in ClinVar:

ClinVar aggregate classification (germline): Uncertain significance (0 of 4 stars; one submission).

Allele frequency attached by ClinVar (database versions not stated): gnomAD exomes below 0.00001 and 0.00001; TOPMed below 0.00001; ExAC 0.00001; gnomAD 0.00001.
gnomAD v4.1: 4 of 1,613,956 alleles (0.00025%); highest among the groups gnomAD compares: Non-Finnish European, 0.00034%; no homozygotes.

Submission:

Richard Lifton Laboratory, Yale University School of Medicine
Classification: Uncertain significance. Review status: no assertion criteria provided. Collection method: not provided. Allele origin: somatic.
Comment: DGKD
ClinVar note: Converted during submission from unknown to Uncertain significance.

NM_152879.3(DGKD):c.472G>A (p.Asp158Asn)

Gene: DGKD (diacylglycerol kinase delta; plus strand). Cytogenetic location: 2q37.1.
Variant type: single nucleotide variant.
Coding change: c.472G>A on transcript NM_152879.3 (MANE Select); coding-DNA position 472, G replaced by A.
Protein change: p.Asp158Asn; replaces aspartic acid 158 with asparagine.
Molecular consequence: missense variant.
Genome position (GRCh38, 1-based): chr2:233,434,787, G>A. VCF-style: chr2-233434787-G-A. GRCh37 (hg19) VCF-style: chr2-234343433-G-A.
Other names: c.340G>A, p.Asp114Asn (NM_003648.3); short protein forms D158N, D114N.
Identifiers: ClinVar variation 92031 (VCV000092031.2), dbSNP rs386352297, ClinGen allele CA232387.